The following is an entry in ClinVar:

NM_005018.3(PDCD1):c.437-115G>A

Gene: PDCD1 (programmed cell death 1; minus strand). Cytogenetic location: 2q37.3.
Variant type: single nucleotide variant.
Coding change: c.437-115G>A on transcript NM_005018.3 (MANE Select); 115 bases into the intron before coding-DNA position 437, G replaced by A.
Molecular consequence: intron variant.
Genome position (GRCh38, 1-based): chr2:241,852,468, C>T on the plus strand (G>A on the coding strand, the complement: PDCD1 is on the minus strand). VCF-style: chr2-241852468-C-T. GRCh37 (hg19) VCF-style: chr2-242794620-C-T.
Identifiers: ClinVar variation 1233776 (VCV001233776.6), dbSNP rs34819629, ClinGen allele CA68583739.

ClinVar aggregate classification (germline): Benign. Review status: criteria provided, multiple submitters, no conflicts (2 of 4 stars). 3 submissions from 3 submitters: Benign (3). Last evaluated 2024-01-24.

Allele frequency attached by ClinVar (database versions not stated): 1000 Genomes Project 30x 0.13101; TOPMed 0.05860; 1000 Genomes Project 0.13578.
gnomAD v4.1: 45,826 of 1,149,474 alleles (4%); highest among the groups gnomAD compares: East Asian, 48%; 6,159 homozygotes.

Submissions (3):

Unidad de Genómica Garrahan, Hospital de Pediatría Garrahan
Classification: Benign. Last evaluated: 2024-01-24. Review status: criteria provided, single submitter. Criteria: ACMG Guidelines, 2015. Collection method: clinical testing. Allele origin: germline. Affected: no. Observed: 21 variant alleles.
Comment: This variant is classified as Benign based on local population frequency. This variant was detected in 22% of patients studied by a panel of primary immunodeficiencies. Number of patients: 21. Only high quality variants are reported.

GeneDx
Classification: Benign. Last evaluated: 2018-11-12. Review status: criteria provided, single submitter. Criteria: GeneDx Variant Classification Process June 2021. Collection method: clinical testing. Allele origin: germline. Affected: yes.

Breakthrough Genomics
Classification: Benign. Review status: criteria provided, single submitter. Criteria: ACMG Guidelines, 2015. Collection method: not provided. Allele origin: germline. Inheritance: Multifactorial inheritance. Affected: yes.